The following is an entry in ClinVar:

ClinVar aggregate classification (germline): Uncertain significance (1 of 4 stars; one submission).

Allele frequency attached by ClinVar (database versions not stated): gnomAD exomes below 0.00001; TOPMed 0.00001; gnomAD 0.00003.
gnomAD v4.1: 9 of 1,614,020 alleles (0.00056%); highest among the groups gnomAD compares: African/African-American, 0.004%; no homozygotes.

Submission:

GeneDx
Classification: Uncertain significance. Last evaluated: 2022-08-25. Review status: criteria provided, single submitter. Criteria: GeneDx Variant Classification Process June 2021. Collection method: clinical testing. Allele origin: germline. Affected: yes.
Comment: Not observed at significant frequency in large population cohorts (gnomAD); In silico analysis supports that this missense variant has a deleterious effect on protein structure/function; Has not been previously published as pathogenic or benign to our knowledge

NM_001303256.3(MORC2):c.2570C>T (p.Pro857Leu)

Gene: MORC2 (MORC family CW-type zinc finger 2; minus strand). Cytogenetic location: 22q12.2.
Variant type: single nucleotide variant.
Coding change: c.2570C>T on transcript NM_001303256.3 (MANE Select); coding-DNA position 2570, C replaced by T.
Protein change: p.Pro857Leu; replaces proline 857 with leucine.
Molecular consequence: missense variant.
Genome position (GRCh38, 1-based): chr22:30,932,722, G>A on the plus strand (C>T on the coding strand, the complement: MORC2 is on the minus strand). VCF-style: chr22-30932722-G-A. GRCh37 (hg19) VCF-style: chr22-31328709-G-A.
Other names: c.2570C>T, p.Pro857Leu (NM_001303257.2); c.2384C>T, p.Pro795Leu (NM_014941.3); short protein forms P795L, P857L.
Identifiers: ClinVar variation 2430456 (VCV002430456.1), dbSNP rs1345884860, ClinGen allele CA411232054.